The following is an entry in ClinVar:

ClinVar aggregate classification (germline): Benign. Review status: criteria provided, multiple submitters, no conflicts (2 of 4 stars). 5 submissions from 5 submitters: Benign (5). Last evaluated 2026-02-04.

Submissions (5):

Labcorp Genetics (formerly Invitae), Labcorp
Classification: Benign. Last evaluated: 2026-02-04. Review status: criteria provided, single submitter. Criteria: Invitae Variant Classification Sherloc (09022015). Collection method: clinical testing. Allele origin: germline.

Women's Health and Genetics/Laboratory Corporation of America, LabCorp
Classification: Benign. Last evaluated: 2026-01-21. Review status: criteria provided, single submitter. Criteria: LabCorp Variant Classification Summary - May 2015. Collection method: clinical testing. Allele origin: germline.

Unidad de Genómica Garrahan, Hospital de Pediatría Garrahan
Classification: Benign. Last evaluated: 2024-01-24. Review status: criteria provided, single submitter. Criteria: ACMG Guidelines, 2015. Collection method: clinical testing. Allele origin: germline. Affected: no. Observed: 52 variant alleles.
Comment: This variant is classified as Benign based on local population frequency. This variant was detected in 55% of patients studied by a panel of primary immunodeficiencies. Number of patients: 52. Only high quality variants are reported.

Mayo Clinic Laboratories, Mayo Clinic
Classification: Benign. Last evaluated: 2022-09-06. Review status: criteria provided, single submitter. Criteria: ACMG Guidelines, 2015. Collection method: clinical testing. Allele origin: germline. Observed: 29 variant alleles.

GeneDx
Classification: Benign. Last evaluated: 2018-10-30. Review status: criteria provided, single submitter. Criteria: GeneDx Variant Classification Process June 2021. Collection method: clinical testing. Allele origin: germline. Affected: yes.

NM_001330700.2(TOP2B):c.4711-13dup

Gene: TOP2B (DNA topoisomerase II beta; minus strand). Cytogenetic location: 3p24.2.
Variant type: Duplication.
Coding change: c.4711-13dup on transcript NM_001330700.2 (MANE Select); 13 bases into the intron before coding-DNA position 4711, one base duplicated (A; older notation c.4711-13dupA).
Molecular consequence: intron variant.
Genome position (GRCh38, 1-based): chr3:25,598,483, T duplicated on the plus strand (A on the coding strand, the reverse complement: TOP2B is on the minus strand); the first of 8 consecutive T bases (chr3:25,598,483-25,598,490); duplicating any one gives the same sequence. VCF-style (leftmost placement, unchanged base first): chr3-25598482-A-AT. GRCh37 (hg19) VCF-style: chr3-25639973-A-AT.
Other names: p.?; c.4696-13dup (NM_001068.3); c.4696-6dup (NM_001068.3); c.4696-6dupA (NM_001068.3).
Identifiers: ClinVar variation 1164866 (VCV001164866.12), dbSNP rs11372851, ClinGen allele CA2287990.